The following is an entry in ClinVar:

ClinVar aggregate classification (germline): Pathogenic (1 of 4 stars; one submission).

Conditions:
Distal myopathy with posterior leg and anterior hand involvement. Also called: WILLIAMS DISTAL MYOPATHY. Identifiers: Orphanet 63273, MedGen C3279722, MONDO:0013550, OMIM 614065.
Hypertrophic cardiomyopathy 26. Also called: Cardiomyopathy, familial hypertrophic, 26. Identifiers: Orphanet 75249, MedGen C4310749, MONDO:0014883, OMIM 617047.
Myofibrillar myopathy 5. Also called: FILAMINOPATHY, AUTOSOMAL DOMINANT; Filaminopathy (type). Identifiers: Orphanet 171445, MedGen C1836050, MONDO:0012289, OMIM 609524.

gnomAD v4.1: 1 of 1,599,472 alleles (0.000063%); highest among the groups gnomAD compares: Non-Finnish European, 0.000085%; no homozygotes.

Submission:

Labcorp Genetics (formerly Invitae), Labcorp
Classification: Pathogenic for Distal myopathy with posterior leg and anterior hand involvement; Myofibrillar myopathy 5; Hypertrophic cardiomyopathy 26. Last evaluated: 2023-06-15. Review status: criteria provided, single submitter. Criteria: Invitae Variant Classification Sherloc (09022015). Collection method: clinical testing. Allele origin: germline.
Comment: For these reasons, this variant has been classified as Pathogenic. ClinVar contains an entry for this variant (Variation ID: 1456761). This variant has not been reported in the literature in individuals affected with FLNC-related conditions. This variant is not present in population databases (gnomAD no frequency). This sequence change creates a premature translational stop signal (p.Cys203*) in the FLNC gene. It is expected to result in an absent or disrupted protein product. Loss-of-function variants in FLNC are known to be pathogenic (PMID: 27908349).

Literature cited by the submitters: PubMed 27908349.

NM_001458.5(FLNC):c.609C>A (p.Cys203Ter)

Gene: FLNC (filamin C; plus strand). Cytogenetic location: 7q32.1.
Variant type: single nucleotide variant.
Coding change: c.609C>A on transcript NM_001458.5 (MANE Select); coding-DNA position 609, C replaced by A.
Protein change: p.Cys203Ter; replaces cysteine 203 with a stop codon.
Molecular consequence: nonsense.
Genome position (GRCh38, 1-based): chr7:128,837,167, C>A. VCF-style: chr7-128837167-C-A. GRCh37 (hg19) VCF-style: chr7-128477221-C-A.
Other names: c.609C>A, p.Cys203Ter (NM_001127487.2); short protein forms C203*.
Identifiers: ClinVar variation 1456761 (VCV001456761.6), dbSNP rs1455396332, ClinGen allele CA369220859.